The following is an entry in ClinVar:

Single allele

Gene: DMD (dystrophin; minus strand). Cytogenetic location: Xp21.1.
Variant type: Duplication.
Identifiers: ClinVar variation 1807245 (VCV001807245.1).

ClinVar aggregate classification (germline): Likely pathogenic (1 of 4 stars; one submission).

Submission:

Athena Diagnostics
Classification: Likely pathogenic. Last evaluated: 2021-07-26. Review status: criteria provided, single submitter. Criteria: Athena Diagnostics Criteria. Collection method: clinical testing. Allele origin: unknown.
Comment: This variant is likely to be inserted in tandem within the DMD gene and is expected to disrupt protein function. Similar variants have not been reported in large, multi-ethnic general populations. A similar duplication of exon 20 has been identified in at least one individual with Duchenne muscular dystrophy (DMD).

Literature cited by the submitters: PubMed 15643612; PubMed 12111668; PubMed 19367636; PubMed 23588064.